The following is an entry in ClinVar:

NM_000528.4(MAN2B1):c.2355+6T>A

Gene: MAN2B1 (mannosidase alpha class 2B member 1; minus strand). Cytogenetic location: 19p13.13.
Variant type: single nucleotide variant.
Coding change: c.2355+6T>A on transcript NM_000528.4 (MANE Select); 6 bases into the intron after coding-DNA position 2355, T replaced by A.
Molecular consequence: intron variant.
Genome position (GRCh38, 1-based): chr19:12,649,335, A>T on the plus strand (T>A on the coding strand, the complement: MAN2B1 is on the minus strand). VCF-style: chr19-12649335-A-T. GRCh37 (hg19) VCF-style: chr19-12760149-A-T.
Other names: c.2352+6T>A (NM_001173498.2).
Identifiers: ClinVar variation 648756 (VCV000648756.7), dbSNP rs1052970162, ClinGen allele CA631832895.
Genomic context (GRCh38, chr19:12,649,335, plus strand): 5'-ATGCTGCAGATAAGGGGTGATTCCCTTTCTATCGAGGTGGGGAGGTGCAGGATGGGGGAG[A>T]GCTACCGTGATGTAAATCCGGGTGTTGACTGGATAGTAGTTTCCTGCCACGGGCTCCGTC-3'

ClinVar aggregate classification (germline): Uncertain significance. Review status: criteria provided, multiple submitters, no conflicts (2 of 4 stars). 3 submissions from 3 submitters: Uncertain significance (2). 1 of the submissions does not count toward it. Last evaluated 2023-12-12.

Conditions:
Deficiency of alpha-mannosidase (MANSA). Also called: Mannosidosis, alpha-, types I and II; LYSOSOMAL ALPHA-D-MANNOSIDASE DEFICIENCY; Alpha-Mannosidosis. Identifiers: Orphanet 61, MedGen C0024748, MONDO:0009561, OMIM 248500.

Allele frequency attached by ClinVar (database versions not stated): gnomAD exomes 0.00001; TOPMed 0.00002; gnomAD 0.00003.
gnomAD v4.1: 13 of 1,611,582 alleles (0.00081%); highest among the groups gnomAD compares: Admixed American, 0.013%; no homozygotes.

Submissions (3):

Women's Health and Genetics/Laboratory Corporation of America, LabCorp
Classification: Uncertain significance. Last evaluated: 2023-12-12. Review status: criteria provided, single submitter. Criteria: LabCorp Variant Classification Summary - May 2015. Collection method: clinical testing. Allele origin: germline.

Labcorp Genetics (formerly Invitae), Labcorp
Classification: Uncertain significance for Deficiency of alpha-mannosidase. Last evaluated: 2022-07-12. Review status: criteria provided, single submitter. Criteria: Invitae Variant Classification Sherloc (09022015). Collection method: clinical testing. Allele origin: germline.
Comment: This sequence change falls in intron 19 of the MAN2B1 gene. It does not directly change the encoded amino acid sequence of the MAN2B1 protein. It affects a nucleotide within the consensus splice site. This variant is present in population databases (no rsID available, gnomAD 0.006%). This variant has not been reported in the literature in individuals affected with MAN2B1-related conditions. ClinVar contains an entry for this variant (Variation ID: 648756). Variants that disrupt the consensus splice site are a relatively common cause of aberrant splicing (PMID: 17576681, 9536098). Algorithms developed to predict the effect of sequence changes on RNA splicing suggest that this variant is not likely to affect RNA splicing. In summary, the available evidence is currently insufficient to determine the role of this variant in disease. Therefore, it has been classified as a Variant of Uncertain Significance.

Natera, Inc.
Classification: Uncertain significance for Alpha-mannosidosis. Last evaluated: 2020-09-16. Review status: no assertion criteria provided. Collection method: clinical testing. Allele origin: germline. Not counted in ClinVar's aggregate classification.

Literature cited by the submitters: PubMed 17576681 (cited by Labcorp Genetics (formerly Invitae), Labcorp); PubMed 9536098 (cited by Labcorp Genetics (formerly Invitae), Labcorp).